The following is an entry in ClinVar:

ClinVar aggregate classification (germline): Uncertain significance. Review status: criteria provided, multiple submitters, no conflicts (2 of 4 stars). 3 submissions from 3 submitters: Uncertain significance (3). Last evaluated 2024-11-01.

Conditions:
Donnai-Barrow syndrome. Also called: DBS/FOAR SYNDROME; FACIOOCULOACOUSTICORENAL SYNDROME. Identifiers: Orphanet 2143, MedGen C1857277, MONDO:0009104, OMIM 222448.

Allele frequency attached by ClinVar (database versions not stated): ExAC 0.00002; gnomAD 0.00003 and 0.00004; TOPMed 0.00003.
gnomAD v4.1: 36 of 1,613,600 alleles (0.0022%); highest among the groups gnomAD compares: Admixed American, 0.022%; no homozygotes.

Submissions (3):

Blueprint Genetics
Classification: Uncertain significance. Last evaluated: 2024-11-01. Review status: criteria provided, single submitter. Criteria: ACMG Guidelines, 2015. Collection method: clinical testing. Allele origin: germline.

DECIPHERD-UDD, Universidad del Desarrollo
Classification: Uncertain significance for Donnai-Barrow syndrome. Last evaluated: 2023-07-01. Review status: criteria provided, single submitter. Criteria: ACMG Guidelines, 2015. Collection method: research. Allele origin: biparental. Affected: yes.

Labcorp Genetics (formerly Invitae), Labcorp
Classification: Uncertain significance. Last evaluated: 2022-10-31. Review status: criteria provided, single submitter. Criteria: Invitae Variant Classification Sherloc (09022015). Collection method: clinical testing. Allele origin: germline.
Comment: This sequence change replaces arginine, which is basic and polar, with cysteine, which is neutral and slightly polar, at codon 3835 of the LRP2 protein (p.Arg3835Cys). This variant is present in population databases (rs774128360, gnomAD 0.01%). This variant has not been reported in the literature in individuals affected with LRP2-related conditions. ClinVar contains an entry for this variant (Variation ID: 1469182). Advanced modeling of protein sequence and biophysical properties (such as structural, functional, and spatial information, amino acid conservation, physicochemical variation, residue mobility, and thermodynamic stability) performed at Invitae indicates that this missense variant is expected to disrupt LRP2 protein function. In summary, the available evidence is currently insufficient to determine the role of this variant in disease. Therefore, it has been classified as a Variant of Uncertain Significance.

Literature cited by the submitters: PubMed 38177409 (cited by DECIPHERD-UDD, Universidad del Desarrollo).

NM_004525.3(LRP2):c.11503C>T (p.Arg3835Cys)

Gene: LRP2 (LDL receptor related protein 2; minus strand). Cytogenetic location: 2q31.1.
Variant type: single nucleotide variant.
Coding change: c.11503C>T on transcript NM_004525.3 (MANE Select); coding-DNA position 11503, C replaced by T.
Protein change: p.Arg3835Cys; replaces arginine 3835 with cysteine.
Molecular consequence: missense variant.
Genome position (GRCh38, 1-based): chr2:169,168,671, G>A on the plus strand (C>T on the coding strand, the complement: LRP2 is on the minus strand). VCF-style: chr2-169168671-G-A. GRCh37 (hg19) VCF-style: chr2-170025181-G-A.
Other names: c.11503C>T (NM_004525.2); short protein forms R3835C.
Identifiers: ClinVar variation 1469182 (VCV001469182.6), dbSNP rs774128360, ClinGen allele CA1953035.